The following is an entry in ClinVar:

NM_001278116.2(L1CAM):c.266C>A (p.Ser89Ter)

Gene: L1CAM (L1 cell adhesion molecule; minus strand). Cytogenetic location: Xq28.
Variant type: single nucleotide variant.
Coding change: c.266C>A on transcript NM_001278116.2 (MANE Select); coding-DNA position 266, C replaced by A.
Protein change: p.Ser89Ter; replaces serine 89 with a stop codon.
Molecular consequence: nonsense.
Genome position (GRCh38, 1-based): chrX:153,872,286, G>T on the plus strand (C>A on the coding strand, the complement: L1CAM is on the minus strand). VCF-style: chrX-153872286-G-T. GRCh37 (hg19) VCF-style: chrX-153137741-G-T.
Other names: c.266C>A, p.Ser89Ter (NM_000425.5, NM_024003.3); c.251C>A, p.Ser84Ter (NM_001143963.2); short protein forms S89*, S84*.
Identifiers: ClinVar variation 430059 (VCV000430059.2), dbSNP rs782178366, ClinGen allele CA415138581.

ClinVar aggregate classification (germline): Pathogenic (1 of 4 stars; one submission).

Submission:

GeneDx
Classification: Pathogenic. Last evaluated: 2016-01-06. Review status: criteria provided, single submitter. Criteria: GeneDx Variant Classification (06012015). Collection method: clinical testing. Allele origin: germline. Affected: yes.
Comment: The S89X pathogenic variant in the L1CAM has not beenpublished as a pathogenic variant, nor has it been reported as a benign variant to our knowledge.The variant was not observed in approximately 6,500 individuals of European and AfricanAmerican ancestry in the NHLBI Exome Sequencing Project, indicating it is not a common benignvariant in these population. The S89X nonsense pathogenic variant is predicted to cause loss ofnormal protein function either through protein truncation or nonsense-mediated mRNA decay.Approximately 5% of females who are heterozygous for pathogenic variants in the L1CAM genewill exhibit clinical manifestations of an L1CAM-related disorder (Kaepernick et al., 1994). Therefore, we interpret S89X as a pathogenic variant.